The following is an entry in ClinVar:

NM_000112.4(SLC26A2):c.1246C>T (p.Gln416Ter)

Gene: SLC26A2 (solute carrier family 26 member 2; plus strand). Cytogenetic location: 5q32.
Variant type: single nucleotide variant.
Coding change: c.1246C>T on transcript NM_000112.4 (MANE Select); coding-DNA position 1246, C replaced by T.
Protein change: p.Gln416Ter; replaces glutamine 416 with a stop codon.
Molecular consequence: nonsense.
Genome position (GRCh38, 1-based): chr5:149,980,839, C>T. VCF-style: chr5-149980839-C-T. GRCh37 (hg19) VCF-style: chr5-149360402-C-T.
Other names: c.1246C>T (NM_000112.3); short protein forms Q416*.
Identifiers: ClinVar variation 1071456 (VCV001071456.15), dbSNP rs2113698485, ClinGen allele CA361707460.

ClinVar aggregate classification (germline): Conflicting classifications of pathogenicity. Review status: criteria provided, conflicting classifications (1 of 4 stars). 4 submissions from 4 submitters: Pathogenic (1); Likely pathogenic (2); Uncertain significance (1). Last evaluated 2024-03-25.

Conditions:
Achondrogenesis, type IB (ACG1B). Also called: Achondrogenesis Type 1B. Identifiers: Orphanet 932, Orphanet 93298, MedGen C0265274, MONDO:0010966, OMIM 600972.
Atelosteogenesis type II (AO2). Also called: NEONATAL OSSEOUS DYSPLASIA I; SLC26A2-Related Atelosteogenesis; Neonatal osseous dysplasia 1. Identifiers: Orphanet 56304, MedGen C1850554, MONDO:0009727, OMIM 256050.
Multiple epiphyseal dysplasia type 4 (EDM4). Also called: Multiple Epiphyseal Dysplasia, Recessive; SLC26A2-Related Multiple Epiphyseal Dysplasia; MULTIPLE EPIPHYSEAL DYSPLASIA WITH BILAYERED PATELLAE; MULTIPLE EPIPHYSEAL DYSPLASIA WITH CLUBFOOT; MULTIPLE EPIPHYSEAL DYSPLASIA, AUTOSOMAL RECESSIVE. Identifiers: Orphanet 93307, MedGen C1847593, MONDO:0009189, OMIM 226900.
Diastrophic dysplasia (DTD). Also called: Diastrophic dwarfism. Identifiers: Orphanet 628, MedGen C0220726, MONDO:0009107, OMIM 222600.

Allele frequency attached by ClinVar (database versions not stated): gnomAD exomes below 0.00001.
gnomAD v4.1: 1 of 1,614,050 alleles (0.000062%); highest among the groups gnomAD compares: East Asian, 0.0022%; no homozygotes.

Submissions (4):

Natera, Inc.
Classification: Likely pathogenic for Achondrogenesis type IB. Last evaluated: 2024-03-25. Review status: criteria provided, single submitter. Criteria: Natera Variant Classification Schema (03/2026). Collection method: clinical testing. Allele origin: germline.
Comment: The c.1246C>T variant in SLC26A2 is a nonsense variant predicted to introduce a stop codon at amino acid 416. This variant is expected to result in nonsense mediated decay, truncation, or a dysfunctional protein product. This variant is rare in the general population with a frequency below the threshold expected for the associated phenotype(s). Given the available evidence, this variant is classified as Likely Pathogenic.

Baylor Genetics
Classification: Likely pathogenic for Achondrogenesis, type IB. Last evaluated: 2023-11-12. Review status: criteria provided, single submitter. Criteria: ACMG Guidelines, 2015. Collection method: clinical testing. Allele origin: unknown.

Labcorp Genetics (formerly Invitae), Labcorp
Classification: Pathogenic for Atelosteogenesis type II; Multiple epiphyseal dysplasia type 4; Achondrogenesis, type IB; Diastrophic dysplasia. Last evaluated: 2023-06-17. Review status: criteria provided, single submitter. Criteria: Invitae Variant Classification Sherloc (09022015). Collection method: clinical testing. Allele origin: germline.
Comment: For these reasons, this variant has been classified as Pathogenic. This variant disrupts a region of the SLC26A2 protein in which other variant(s) (p.Lys575Serfs*10) have been determined to be pathogenic (PMID: 7923357, 8528239, 8571951; Invitae). This suggests that this is a clinically significant region of the protein, and that variants that disrupt it are likely to be disease-causing. ClinVar contains an entry for this variant (Variation ID: 1071456). This variant has not been reported in the literature in individuals affected with SLC26A2-related conditions. This variant is not present in population databases (gnomAD no frequency). This sequence change creates a premature translational stop signal (p.Gln416*) in the SLC26A2 gene. While this is not anticipated to result in nonsense mediated decay, it is expected to disrupt the last 324 amino acid(s) of the SLC26A2 protein.

Juno Genomics, Hangzhou Juno Genomics, Inc
Classification: Uncertain significance for Achondrogenesis, type IB; Atelosteogenesis type II; Diastrophic dysplasia; Multiple epiphyseal dysplasia type 4. Review status: criteria provided, single submitter. Criteria: ACMG Guidelines, 2015. Collection method: clinical testing. Allele origin: germline.
Comment: Null variant in a gene where loss of function (LOF) is a known mechanism of disease.;Absent from controls (or at extremely low frequency if recessive) in Genome Aggregation Database.

Literature cited by the submitters: PubMed 7923357 (cited by Labcorp Genetics (formerly Invitae), Labcorp); PubMed 8528239 (cited by Labcorp Genetics (formerly Invitae), Labcorp); PubMed 8571951 (cited by Labcorp Genetics (formerly Invitae), Labcorp).